The following is an entry in ClinVar:

NM_000152.5(GAA):c.2753C>T (p.Ser918Phe)

Gene: GAA (alpha glucosidase; plus strand). Cytogenetic location: 17q25.3.
Variant type: single nucleotide variant.
Coding change: c.2753C>T on transcript NM_000152.5 (MANE Select); coding-DNA position 2753, C replaced by T.
Protein change: p.Ser918Phe; replaces serine 918 with phenylalanine.
Molecular consequence: missense variant.
Genome position (GRCh38, 1-based): chr17:80,118,759, C>T. VCF-style: chr17-80118759-C-T. GRCh37 (hg19) VCF-style: chr17-78092558-C-T.
Other names: c.2753C>T (LRG_673t1); c.2753C>T, p.Ser918Phe (NM_001079803.3, NM_001079804.3); short protein forms S918F.
Identifiers: ClinVar variation 325795 (VCV000325795.7), dbSNP rs773667152, ClinGen allele CA8815848.

ClinVar aggregate classification (germline): Uncertain significance. Review status: criteria provided, multiple submitters, no conflicts (2 of 4 stars). 3 submissions from 3 submitters: Uncertain significance (3). Last evaluated 2024-09-03.

Conditions:
Glycogen storage disease, type II (IOPD). Also called: CARDIOMEGALIA GLYCOGENICA DIFFUSA; GLYCOGENOSIS, GENERALIZED, CARDIAC FORM; GSD II; Glycogen storage disease type 2; Acid maltase deficiency disease; Aglucosidase alfa. Identifiers: Orphanet 365, MedGen C0017921, MONDO:0009290, OMIM 232300.

Allele frequency attached by ClinVar (database versions not stated): TOPMed below 0.00001.
gnomAD v4.1: 46 of 1,613,550 alleles (0.0029%); highest among the groups gnomAD compares: South Asian, 0.047%; no homozygotes.

Submissions (3):

Revvity Omics, Revvity
Classification: Uncertain significance. Last evaluated: 2024-09-03. Review status: criteria provided, single submitter. Criteria: ACMG Guidelines, 2015. Collection method: clinical testing. Allele origin: germline.

Labcorp Genetics (formerly Invitae), Labcorp
Classification: Uncertain significance for Glycogen storage disease, type II. Last evaluated: 2022-03-11. Review status: criteria provided, single submitter. Criteria: Invitae Variant Classification Sherloc (09022015). Collection method: clinical testing. Allele origin: germline.
Comment: This sequence change replaces serine, which is neutral and polar, with phenylalanine, which is neutral and non-polar, at codon 918 of the GAA protein (p.Ser918Phe). This variant is present in population databases (rs773667152, gnomAD 0.05%). This variant has not been reported in the literature in individuals affected with GAA-related conditions. ClinVar contains an entry for this variant (Variation ID: 325795). Advanced modeling of protein sequence and biophysical properties (such as structural, functional, and spatial information, amino acid conservation, physicochemical variation, residue mobility, and thermodynamic stability) performed at Invitae indicates that this missense variant is not expected to disrupt GAA protein function. In summary, the available evidence is currently insufficient to determine the role of this variant in disease. Therefore, it has been classified as a Variant of Uncertain Significance.

Illumina Laboratory Services, Illumina
Classification: Uncertain significance for Glycogen storage disease, type II. Last evaluated: 2018-01-12. Review status: criteria provided, single submitter. Criteria: ICSL Variant Classification Criteria 13 December 2019. Collection method: clinical testing. Allele origin: germline.